The following is an entry in ClinVar:

NM_052854.4(CREB3L1):c.1247C>T (p.Thr416Met)

Gene: CREB3L1 (cAMP responsive element binding protein 3 like 1; plus strand). Cytogenetic location: 11p11.2.
Variant type: single nucleotide variant.
Coding change: c.1247C>T on transcript NM_052854.4 (MANE Select); coding-DNA position 1247, C replaced by T.
Protein change: p.Thr416Met; replaces threonine 416 with methionine.
Molecular consequence: missense variant.
Genome position (GRCh38, 1-based): chr11:46,317,476, C>T. VCF-style: chr11-46317476-C-T. GRCh37 (hg19) VCF-style: chr11-46339027-C-T.
Other names: short protein forms T416M.
Identifiers: ClinVar variation 1944334 (VCV001944334.4), dbSNP rs748951793, ClinGen allele CA5961826.

ClinVar aggregate classification (germline): Uncertain significance (1 of 4 stars; one submission).

Allele frequency attached by ClinVar (database versions not stated): TOPMed below 0.00001; gnomAD 0.00001; gnomAD exomes 0.00004; ExAC 0.00005.

Submission:

Labcorp Genetics (formerly Invitae), Labcorp
Classification: Uncertain significance. Last evaluated: 2023-10-03. Review status: criteria provided, single submitter. Criteria: Invitae Variant Classification Sherloc (09022015). Collection method: clinical testing. Allele origin: germline.
Comment: This sequence change replaces threonine, which is neutral and polar, with methionine, which is neutral and non-polar, at codon 416 of the CREB3L1 protein (p.Thr416Met). This variant is present in population databases (rs748951793, gnomAD 0.04%). This variant has not been reported in the literature in individuals affected with CREB3L1-related conditions. ClinVar contains an entry for this variant (Variation ID: 1944334). An algorithm developed to predict the effect of missense changes on protein structure and function (PolyPhen-2) suggests that this variant is likely to be disruptive. In summary, the available evidence is currently insufficient to determine the role of this variant in disease. Therefore, it has been classified as a Variant of Uncertain Significance.